The following is an entry in ClinVar:

ClinVar aggregate classification (germline): Uncertain significance (1 of 4 stars; one submission).

Submission:

ARUP Laboratories, Molecular Genetics and Genomics, ARUP Laboratories
Classification: Uncertain significance. Last evaluated: 2020-10-04. Review status: criteria provided, single submitter. Criteria: ARUP Molecular Germline Variant Investigation Process 2021. Collection method: clinical testing. Allele origin: germline.
Comment: The TTN c.97739G>A; p.Arg32580Lys variant is rare in the general population (<0.2% allele frequency in the Genome Aggregation Database) and has not been reported in the medical literature in association with dilated cardiomyopathy (DCM) or other TTN-related disease. The clinical relevance of rare missense variants in this gene, which are identified on average once per individual sequenced in affected populations (Herman 2012), is not well understood. Yet, evidence suggests that the vast majority of such missense variants do not contribute to the clinical outcome of DCM (Begay 2015). Thus, the clinical significance of the p.Arg32580Lys variant cannot be determined with certainty. References: Begay RL et al. Role of Titin Missense Variants in Dilated Cardiomyopathy. J Am Heart Assoc. 2015 Nov 13;4(11). Herman DS et al. Truncations of titin causing dilated cardiomyopathy. N Engl J Med. 2012 Feb 16;366(7):619-28. Linke WA and Hamdani N. Gigantic business: titin properties and function through thick and thin. Circ Res 2014; 114(6): 1052-1068.

NM_001267550.2(TTN):c.97739G>A (p.Arg32580Lys)

Genes: TTN (titin; minus strand), TTN-AS1 (TTN antisense RNA 1; plus strand). Cytogenetic location: 2q31.2.
Variant type: single nucleotide variant.
Coding change: c.97739G>A on transcript NM_001267550.2 (MANE Select); coding-DNA position 97739, G replaced by A.
Protein change: p.Arg32580Lys; replaces arginine 32580 with lysine.
Molecular consequence: missense variant.
Genome position (GRCh38, 1-based): chr2:178,541,338, C>T on the plus strand (G>A on the coding strand, the complement: TTN is on the minus strand). VCF-style: chr2-178541338-C-T. GRCh37 (hg19) VCF-style: chr2-179406065-C-T.
Other names: c.92816G>A, p.Arg30939Lys (NM_001256850.1); c.70544G>A, p.Arg23515Lys (NM_003319.4); c.90035G>A, p.Arg30012Lys (NM_133378.4); c.70919G>A, p.Arg23640Lys (NM_133432.3); c.71120G>A, p.Arg23707Lys (NM_133437.4); short protein forms R23515K, R23640K, R23707K, R30012K, R30939K, R32580K.
Identifiers: ClinVar variation 1330655 (VCV001330655.7), dbSNP rs1427710348, ClinGen allele CA349436717.